The following is an entry in ClinVar:

ClinVar aggregate classification (germline): Uncertain significance (1 of 4 stars; one submission).

Conditions:
Neuronopathy, distal hereditary motor, autosomal recessive 4. Also called: NEUROPATHY, DISTAL HEREDITARY MOTOR, AUTOSOMAL RECESSIVE 4; Autosomal recessive lower motor neuron disease with childhood onset. Identifiers: Orphanet 206580, MedGen C1970211, MONDO:0012608, OMIM 611067.
Charcot-Marie-Tooth disease recessive intermediate C. Also called: CHARCOT-MARIE-TOOTH NEUROPATHY, RECESSIVE INTERMEDIATE C. Identifiers: Orphanet 369867, MedGen C3809309, MONDO:0014154, OMIM 615376.

gnomAD v4.1: 8 of 1,538,244 alleles (0.00052%); highest among the groups gnomAD compares: Non-Finnish European, 0.0007%; no homozygotes.

Submission:

Labcorp Genetics (formerly Invitae), Labcorp
Classification: Uncertain significance for Neuronopathy, distal hereditary motor, autosomal recessive 4; Charcot-Marie-Tooth disease recessive intermediate C. Last evaluated: 2021-08-31. Review status: criteria provided, single submitter. Criteria: Invitae Variant Classification Sherloc (09022015). Collection method: clinical testing. Allele origin: germline.
Comment: This sequence change replaces asparagine with lysine at codon 205 of the PLEKHG5 protein (p.Asn205Lys). The asparagine residue is highly conserved and there is a moderate physicochemical difference between asparagine and lysine. The frequency data for this variant in the population databases is considered unreliable, as metrics indicate insufficient coverage at this position in the ExAC database. This variant has not been reported in the literature in individuals affected with PLEKHG5-related conditions. Algorithms developed to predict the effect of missense changes on protein structure and function are either unavailable or do not agree on the potential impact of this missense change (SIFT: "Deleterious"; PolyPhen-2: "Probably Damaging"; Align-GVGD: "Class C0"). In summary, the available evidence is currently insufficient to determine the role of this variant in disease. Therefore, it has been classified as a Variant of Uncertain Significance.

NM_020631.6(PLEKHG5):c.615C>G (p.Asn205Lys)

Gene: PLEKHG5 (pleckstrin homology and RhoGEF domain containing G5; minus strand). Cytogenetic location: 1p36.31.
Variant type: single nucleotide variant.
Coding change: c.615C>G on transcript NM_020631.6 (MANE Select); coding-DNA position 615, C replaced by G.
Protein change: p.Asn205Lys; replaces asparagine 205 with lysine.
Molecular consequence: missense variant.
Genome position (GRCh38, 1-based): chr1:6,473,431, G>C on the plus strand (C>G on the coding strand, the complement: PLEKHG5 is on the minus strand). VCF-style: chr1-6473431-G-C. GRCh37 (hg19) VCF-style: chr1-6533491-G-C.
Other names: c.726C>G, p.Asn242Lys (NM_001042663.3, NM_001265592.2); c.615C>G, p.Asn205Lys (NM_001042664.2, NM_001042665.2, NM_001265594.3 and 1 more transcripts); c.822C>G, p.Asn274Lys (NM_001265593.2); short protein forms N274K, N205K, N242K.
Identifiers: ClinVar variation 1405185 (VCV001405185.5), dbSNP rs2148589091, ClinGen allele CA338137308.